The following is an entry in ClinVar:

NM_205861.3(DHDDS):c.124A>G (p.Lys42Glu)

Gene: DHDDS (dehydrodolichyl diphosphate synthase subunit; plus strand). Cytogenetic location: 1p36.11.
Variant type: single nucleotide variant.
Coding change: c.124A>G on transcript NM_205861.3 (MANE Select); coding-DNA position 124, A replaced by G.
Protein change: p.Lys42Glu; replaces lysine 42 with glutamic acid.
Molecular consequence: missense variant. On other transcripts: 5 prime UTR variant (1).
Genome position (GRCh38, 1-based): chr1:26,438,228, A>G. VCF-style: chr1-26438228-A-G. GRCh37 (hg19) VCF-style: chr1-26764719-A-G.
Other names: NM_205861.3(DHDDS):c.124A>G; c.124A>G, p.Lys42Glu (NM_001243564.2, NM_001243565.2, NM_024887.4); c.-179A>G (NM_001319959.2); c.124A>G (NM_205861.2); short protein forms K42E.
Identifiers: ClinVar variation 30709 (VCV000030709.50), dbSNP rs147394623, ClinGen allele CA259894.

ClinVar aggregate classification (germline): Pathogenic. Review status: criteria provided, multiple submitters, no conflicts (2 of 4 stars). 22 submissions from 21 submitters: Pathogenic (18). 4 of the submissions do not count toward it. Last evaluated 2026-07-19.

Conditions:
Retinitis pigmentosa 59 (RP59). Identifiers: Orphanet 791, MedGen C3151227, MONDO:0013468, OMIM 613861.
Developmental delay and seizures with or without movement abnormalities. Identifiers: MedGen C4693376, MONDO:0044326, OMIM 617836.
DHDDS-related disorders.
DHDDS-related disorder. Also called: DHDDS-related condition.
Retinitis pigmentosa (RP). Identifiers: Orphanet 791, MedGen C0035334, MeSH D012174, MONDO:0019200, OMIM 268000. Inheritance: Autosomal dominant, autosomal recessive and X linked inheritance.

Allele frequency attached by ClinVar (database versions not stated): TOPMed 0.00011; ExAC 0.00012; gnomAD 0.00012 and 0.00015; gnomAD exomes 0.00012 and 0.00023; ESP Exome Variant Server 0.00015.
gnomAD v4.1: 207 of 1,613,994 alleles (0.013%); highest among the groups gnomAD compares: Non-Finnish European, 0.0022%; no homozygotes.

Submissions 1 to 10 of 22:

GeneDx
Classification: Pathogenic. Last evaluated: 2026-07-19. Review status: criteria provided, single submitter. Criteria: GeneDx Variant Classification Process June 2021. Collection method: clinical testing. Allele origin: germline.
Comment: In silico analysis supports that this missense variant has a deleterious effect on protein structure/function; This variant is associated with the following publications: (PMID: 28559085, 32483926, 28130426, 21295283, 24664694, 25541840, 31964843, 29276052, 24078709, 28542158, 31589614, 36046393, 31980526, 33413482, 32037395, 31456290, 21295282, 38790275, 39843441, 38256083, 37798099, 34906470, 41153429)

Labcorp Genetics (formerly Invitae), Labcorp
Classification: Pathogenic for Retinitis pigmentosa 59. Last evaluated: 2026-01-31. Review status: criteria provided, single submitter. Criteria: Invitae Variant Classification Sherloc (09022015). Collection method: clinical testing. Allele origin: germline.
Comment: This sequence change replaces lysine, which is basic and polar, with glutamic acid, which is acidic and polar, at codon 42 of the DHDDS protein (p.Lys42Glu). This variant is present in population databases (rs147394623, gnomAD 0.5%). This missense change has been observed in individuals with autosomal recessive retinitis pigmentosa (PMID: 21295282, 21295283, 24664694, 28130426). It is commonly reported in individuals of Ashkenazi Jewish ancestry (PMID: 21295282, 21295283, 24664694, 28130426). ClinVar contains an entry for this variant (Variation ID: 30709). Invitae Evidence Modeling of protein sequence and biophysical properties (such as structural, functional, and spatial information, amino acid conservation, physicochemical variation, residue mobility, and thermodynamic stability) indicates that this missense variant is not expected to disrupt DHDDS protein function with a negative predictive value of 80%. Experimental studies have shown that this missense change affects DHDDS function (PMID: 25066056). For these reasons, this variant has been classified as Pathogenic.

Variantyx, Inc.
Classification: Pathogenic for Retinitis pigmentosa 59. Last evaluated: 2025-12-19. Review status: criteria provided, single submitter. Criteria: Variantyx Assertion Criteria 2022. Collection method: clinical testing. Allele origin: germline. Inheritance: Autosomal recessive inheritance.
Comment: This is a nonsynonymous variant in the DHDDS gene (OMIM: 608172). Pathogenic variants in this gene have been associated with autosomal recessive retinitis pigmentosa 59. This variant has been reported in the homozygous or compound heterozygous state in several unrelated affected individuals (PMID: 21295282, 24664694, 21295283, 28130426, 24078709) (PM3_Strong) and it has been observed to segregate with disease in at least 10 individuals from 3 families (PMID: 21295282, 24664694, 21295283, 28130426, 24078709) (PP1). Functional studies have shown that this variant alters DHDDS protein function (PMID: 25066056, 28542158) (PS3) and multiple computational algorithms predict a deleterious effect for this variant (REVEL score: 0.67) (PP3). This variant has a 0.0022% maximum allele frequency in non-founder control populations (PM2_Supporting). Based on the current evidence, this variant is classified as pathogenic for autosomal recessive retinitis pigmentosa 59.

PreventionGenetics, part of Exact Sciences
Classification: Pathogenic for DHDDS-related condition. Last evaluated: 2025-08-18. Review status: criteria provided, single submitter. Criteria: ACMG Guidelines, 2015. Collection method: clinical testing. Allele origin: germline.
Comment: The DHDDS c.124A>G variant is predicted to result in the amino acid substitution p.Lys42Glu. This variant is a known Ashkenazi Jewish founder mutation that has been reported in the homozygous or compound heterozygous state in multiple individuals with autosomal recessive retinitis pigmentosa (RP), segregating with disease in reported families (see, for example, Zelinger et al. 2011. PubMed ID: 21295282; Venturini et al. 2014. PubMed ID: 25255364; Biswas et al. 2017. PubMed ID: 28130426; Kimchi et al. 2017. PubMed ID: 29276052; Mousa et al. 2022. PubMed ID: 36046393). It is present in 0.52% of alleles in individuals of Ashkenazi Jewish descent in gnomAD, and functional studies demonstrate a characteristic shortening of plasma and urinary dolichols in affected individuals (Wen et al. 2013. PubMed ID: 24078709). This variant is interpreted as pathogenic.

Natera, Inc.
Classification: Pathogenic for Retinitis pigmentosa type 59. Last evaluated: 2024-11-22. Review status: criteria provided, single submitter. Criteria: Natera Variant Classification Schema (03/2026). Collection method: clinical testing. Allele origin: germline.
Comment: The c.124A>G variant in DHDDS is a missense variant predicted to cause substitution of lysine to glutamic acid at amino acid 42. This variant is rare in the general population with a frequency below the threshold expected for the associated phenotype(s). This variant has been observed in one or more individuals affected with the associated recessive disease, as either homozygous or compound heterozygous with a second variant (PMID: 21295282, 28130426). Additionally, this variant has been observed to segregate in affected family members (PMID: 21295282). Computational prediction algorithms indicate this variant is likely to affect gene or protein function. Given the available evidence, this variant is classified as Pathogenic.

Victorian Clinical Genetics Services, Murdoch Childrens Research Institute
Classification: Pathogenic for Retinitis pigmentosa 59. Last evaluated: 2024-10-10. Review status: criteria provided, single submitter. Criteria: ACMG Guidelines, 2015. Collection method: clinical testing. Allele origin: germline. Inheritance: Autosomal recessive inheritance. Affected: yes.
Comment: Based on the classification scheme VCGS_Germline_v1.3.5, this variant is classified as Pathogenic. Following criteria are met: 0102 - Loss of function is a known mechanism of disease in this gene and is associated with retinitis pigmentosa 59 (MIM#613861) and congenital disorder of glycosylation, type 1bb (MIM#613861); these two conditions have been lumped by ClinGen and are also referred to as congenital disorder of glycosylation (MONDO:0015286), DHDDS-related. This gene is also associated with developmental delay and seizures with or without movement abnormalities (MIM#617836), whereby missense variants are suspected to have a dominant negative effect (PMIDs: 33077723, 34382076). (I) 0108 - This gene is associated with both recessive and dominant disease. Variants resulting in a premature termination codon and a founder missense variant within the Ashkenazi Jewish population have both been reported to cause a recessive condition (OMIM, PMID: 27343064). However, only missense variants have been reported for the dominant condition (PMID: 29100083). (I) 0200 - Variant is predicted to result in a missense amino acid change from lysine to glutamic acid. (I) 0251 - This variant is heterozygous. (I) 0304 - Variant is present in gnomAD (v4) <0.01 (207 heterozygotes, 0 homozygotes). (SP) 0309 - An alternative amino acid change at the same position has been observed in gnomAD (v4; 1 heterozygote, 0 homozygotes). (I) 0502 - Missense variant with conflicting in silico predictions and very high conservation. (I) 0600 - Variant is located in the annotated prenyltransf domain (DECIPHER). (I) 0801 - This variant has strong previous evidence of pathogenicity in unrelated individuals. This variant has been previously described as pathogenic and as a founder variant within the Ashkenazi Jewish population. The majority of individuals reported in the literature are homozygous for p.(Lys42Glu) and are diagnosed with retinal dystrophy/retinal pigmentosa (ClinVar, ClinGen). (SP) 1208 - Inheritance information for this variant is not currently available in this individual. (I) Legend: (SP) - Supporting pathogenic, (I) - Information, (SB) - Supporting benign

Blueprint Genetics
Classification: Pathogenic for DHDDS-related disorders. Last evaluated: 2024-04-25. Review status: criteria provided, single submitter. Criteria: ACMG Guidelines, 2015. Collection method: clinical testing. Allele origin: germline. Affected: yes. Observed: 5 variant alleles.

Fulgent Genetics
Classification: Pathogenic for Retinitis pigmentosa 59; Developmental delay and seizures with or without movement abnormalities. Last evaluated: 2024-04-10. Review status: criteria provided, single submitter. Criteria: ACMG Guidelines, 2015. Collection method: clinical testing. Allele origin: germline.

Baylor Genetics
Classification: Pathogenic for Retinitis pigmentosa 59. Last evaluated: 2024-03-26. Review status: criteria provided, single submitter. Criteria: ACMG Guidelines, 2015. Collection method: clinical testing. Allele origin: unknown.

Revvity Omics, Revvity
Classification: Pathogenic. Last evaluated: 2023-12-08. Review status: criteria provided, single submitter. Criteria: ACMG Guidelines, 2015. Collection method: clinical testing. Allele origin: germline.